The following is an entry in ClinVar:

NM_013275.6(ANKRD11):c.4373AGA[3] (p.Lys1461del)

Gene: ANKRD11 (ankyrin repeat domain 11; minus strand). Cytogenetic location: 16q24.3.
Variant type: Microsatellite.
Coding change: c.4373AGA[3] on transcript NM_013275.6 (MANE Select); three copies in a row of the 3-base unit AGA starting at c.4373; the reference has four copies in a row; one copy, 3 bases deleted; also written c.4382_4384del.
Protein change: p.Lys1461del; deletes lysine 1461.
Molecular consequence: inframe deletion.
Genome position (GRCh38, 1-based): chr16:89,282,158-89,282,160, TCT deleted on the plus strand (AGA on the coding strand, the reverse complement: ANKRD11 is on the minus strand); deleting any 3 consecutive bases within chr16:89,282,158-89,282,169 gives the same sequence; the position shown is the placement nearest the transcript's 3' end. VCF-style (leftmost placement, unchanged base first): chr16-89282157-CTCT-C. GRCh37 (hg19) VCF-style: chr16-89348565-CTCT-C.
Other names: c.4373AGA[3], p.Lys1461del (NM_001256182.2, NM_001256183.2); c.4382_4384del (NM_013275.6, NM_013275.5); c.4382_4384delAGA (NM_013275.5); short protein forms K1461del.
Identifiers: ClinVar variation 1709080 (VCV001709080.5), dbSNP rs753054998, ClinGen allele CA8242135.
Genomic context (GRCh38, chr16:89,282,157, plus strand): 5'-TCCGCATGCCTGTCCCGGTGCCTCTCCTTCTCGTCTCTCCATTTCTCCCTGTGTTTCTCT[CTCT>C]TCTTCTTCTCTTTTAGGATGTTGATGGCACTAGATCCATAAGGCTTTAGTTCCTTTTCTA-3'

ClinVar aggregate classification (germline): Uncertain significance. Review status: criteria provided, multiple submitters, no conflicts (2 of 4 stars). 3 submissions from 3 submitters: Uncertain significance (3). Last evaluated 2025-08-07.

Conditions:
ANKRD11-related disorder. Also called: ANKRD11-related condition.
KBG syndrome (KBGS). Also called: ANKRD11-Related KBG Syndrome. Identifiers: Orphanet 2332, MedGen C0220687, MONDO:0007846, OMIM 148050.

Submissions (3):

PreventionGenetics, part of Exact Sciences
Classification: Uncertain significance for ANKRD11-related condition. Last evaluated: 2025-08-07. Review status: criteria provided, single submitter. Criteria: ACMG Guidelines, 2015. Collection method: clinical testing. Allele origin: germline.
Comment: The ANKRD11 c.4382_4384delAGA variant is predicted to result in an in-frame deletion (p.Lys1461del). To our knowledge, this variant has not been reported in the literature. This variant is reported in 0.013% of alleles in individuals of South Asian descent in gnomAD. At this time, the clinical significance of this variant is uncertain due to the absence of conclusive functional and genetic evidence.

GeneDx
Classification: Uncertain significance. Last evaluated: 2025-06-04. Review status: criteria provided, single submitter. Criteria: GeneDx Variant Classification Process June 2021. Collection method: clinical testing. Allele origin: germline. Affected: yes.
Comment: In-frame deletion of 1 amino acid in a non-repeat region; In silico analysis supports a deleterious effect on protein structure/function; Has not been previously published as pathogenic or benign to our knowledge

MGZ Medical Genetics Center
Classification: Uncertain significance for KBG syndrome. Last evaluated: 2022-01-18. Review status: criteria provided, single submitter. Criteria: ACMG Guidelines, 2015. Collection method: clinical testing. Allele origin: germline. Affected: yes. Observed: 1 variant allele.
Comment: ACMG criteria applied: PM2_SUP